The following is an entry in ClinVar:

NM_004655.4(AXIN2):c.2250A>G (p.Pro750=)

Gene: AXIN2 (axin 2; minus strand). Cytogenetic location: 17q24.1.
Variant type: single nucleotide variant.
Coding change: c.2250A>G on transcript NM_004655.4 (MANE Select); coding-DNA position 2250, A replaced by G.
Protein change: p.Pro750=; no amino-acid change (proline 750 retained).
Molecular consequence: synonymous variant.
Genome position (GRCh38, 1-based): chr17:65,534,067, T>C on the plus strand (A>G on the coding strand, the complement: AXIN2 is on the minus strand). VCF-style: chr17-65534067-T-C. GRCh37 (hg19) VCF-style: chr17-63530185-T-C.
Other names: c.2055A>G, p.Pro685= (NM_001363813.1).
Identifiers: ClinVar variation 3378958 (VCV003378958.1).

ClinVar aggregate classification (germline): Benign (1 of 4 stars; one submission).

Conditions:
Oligodontia-cancer predisposition syndrome. Also called: TOOTH AGENESIS-COLORECTAL CANCER SYNDROME. Identifiers: Orphanet 300576, MedGen C1837750, MONDO:0012075, OMIM 608615. Disease mechanism: loss of function.

gnomAD v4.1: 2 of 1,614,248 alleles (0.00012%); highest among the groups gnomAD compares: Non-Finnish European, 0.00017%; no homozygotes.

Submission:

Myriad Genetics, Inc.
Classification: Benign for Oligodontia-cancer predisposition syndrome. Last evaluated: 2024-07-10. Review status: criteria provided, single submitter. Criteria: Myriad Autosomal Dominant, Autosomal Recessive and X-Linked Classification Criteria (2023). Collection method: clinical testing. Allele origin: unknown.
Comment: This variant is considered benign. This variant is a silent/synonymous amino acid change and it is not expected to impact splicing.